The following is an entry in ClinVar:

ClinVar aggregate classification (germline): Uncertain significance. Review status: criteria provided, multiple submitters, no conflicts (2 of 4 stars). 2 submissions from 2 submitters: Uncertain significance (2). Last evaluated 2026-03-28.

Conditions:
Primary dilated cardiomyopathy (DCM). Also called: Dilated Cardiomyopathy. Identifiers: Orphanet 217604, MedGen C0007193, MeSH D002311, MONDO:0005021, HP:0001644. Inheritance: Various modes of inheritance.

Allele frequency attached by ClinVar (database versions not stated): gnomAD exomes below 0.00001; TOPMed below 0.00001; ExAC 0.00001.
gnomAD v4.1: 3 of 1,598,080 alleles (0.00019%); highest among the groups gnomAD compares: Admixed American, 0.005%; no homozygotes.

Submissions (2):

Ambry Genetics
Classification: Uncertain significance. Last evaluated: 2026-03-28. Review status: criteria provided, single submitter. Criteria: Ambry Variant Classification Scheme 2023. Collection method: clinical testing. Allele origin: germline.
Comment: The p.D272H variant (also known as c.814G>C), located in coding exon 9 of the NEBL gene, results from a G to C substitution at nucleotide position 814. The aspartic acid at codon 272 is replaced by histidine, an amino acid with similar properties. This amino acid position is conserved. In addition, this alteration is predicted to be tolerated by in silico analysis. Based on the available evidence, the clinical significance of this variant remains unclear.

Labcorp Genetics (formerly Invitae), Labcorp
Classification: Uncertain significance for Primary dilated cardiomyopathy. Last evaluated: 2025-03-13. Review status: criteria provided, single submitter. Criteria: Invitae Variant Classification Sherloc (09022015). Collection method: clinical testing. Allele origin: germline.
Comment: This sequence change replaces aspartic acid, which is acidic and polar, with histidine, which is basic and polar, at codon 272 of the NEBL protein (p.Asp272His). This variant is present in population databases (rs779682025, gnomAD 0.006%). This variant has not been reported in the literature in individuals affected with NEBL-related conditions. ClinVar contains an entry for this variant (Variation ID: 2037595). An algorithm developed to predict the effect of missense changes on protein structure and function (PolyPhen-2) suggests that this variant is likely to be tolerated. In summary, the available evidence is currently insufficient to determine the role of this variant in disease. Therefore, it has been classified as a Variant of Uncertain Significance.

NM_006393.3(NEBL):c.814G>C (p.Asp272His)

Gene: NEBL (nebulette; minus strand). Cytogenetic location: 10p12.31.
Variant type: single nucleotide variant.
Coding change: c.814G>C on transcript NM_006393.3 (MANE Select); coding-DNA position 814, G replaced by C.
Protein change: p.Asp272His; replaces aspartic acid 272 with histidine.
Molecular consequence: missense variant. On other transcripts: intron variant (9).
Genome position (GRCh38, 1-based): chr10:20,858,329, C>G on the plus strand (G>C on the coding strand, the complement: NEBL is on the minus strand). VCF-style: chr10-20858329-C-G. GRCh37 (hg19) VCF-style: chr10-21147258-C-G.
Other names: c.250-45389G>C (NM_001377326.1, NM_001377327.1, NM_001377328.1); c.358-45389G>C (NM_213569.2, NM_001173484.2, NM_001377322.1); c.301-45389G>C (NM_001377324.1); c.292-45389G>C (NM_001377325.1); c.310-45389G>C (NM_001377323.1); short protein forms D272H.
Identifiers: ClinVar variation 2037595 (VCV002037595.5), dbSNP rs779682025, ClinGen allele CA5433085.